The following is an entry in ClinVar:

NM_003742.4(ABCB11):c.3631A>G (p.Asn1211Asp)

Gene: ABCB11 (ATP binding cassette subfamily B member 11; minus strand). Cytogenetic location: 2q31.1.
Variant type: single nucleotide variant.
Coding change: c.3631A>G on transcript NM_003742.4 (MANE Select); coding-DNA position 3631, A replaced by G.
Protein change: p.Asn1211Asp; replaces asparagine 1211 with aspartic acid.
Molecular consequence: missense variant.
Genome position (GRCh38, 1-based): chr2:168,924,791, T>C on the plus strand (A>G on the coding strand, the complement: ABCB11 is on the minus strand). VCF-style: chr2-168924791-T-C. GRCh37 (hg19) VCF-style: chr2-169781301-T-C.
Other names: short protein forms N1211D.
Identifiers: ClinVar variation 2162278 (VCV002162278.6), dbSNP rs762729346, ClinGen allele CA1950973.
Genomic context (GRCh38, chr2:168,924,791, plus strand): 5'-GAGCAATAGCAATGCGTTGTTTCTCCCCTCTAGAGAGTTGAGACCCCTGGGACCCAACGT[T>C]AGTTTCATATTTCTGAAAAAAAGTATGATAAGTTTGAGAAATAGAAACAGTTATTGCTCC-3'
Protein context (NP_003733.2, residues 1201-1221): VMSLPEKYET[Asn1211Asp]VGSQGSQLSR

ClinVar aggregate classification (germline): Conflicting classifications of pathogenicity. Review status: criteria provided, conflicting classifications (1 of 4 stars). 3 submissions from 3 submitters: Uncertain significance (2); Likely benign (1). Last evaluated 2026-04-14.

Conditions:
Progressive familial intrahepatic cholestasis type 2. Identifiers: Orphanet 79304, MedGen C3489789, MONDO:0011156, OMIM 601847.
Familial intrahepatic cholestasis. Identifiers: Orphanet 284385, MedGen CN296401, MONDO:0017290.

Allele frequency attached by ClinVar (database versions not stated): gnomAD exomes 0.00003; ExAC 0.00006.
gnomAD v4.1: 47 of 1,611,970 alleles (0.0029%); highest among the groups gnomAD compares: South Asian, 0.052%; no homozygotes.

Submissions (3):

Genomenon, Inc
Classification: Uncertain significance for Familial intrahepatic cholestasis. Last evaluated: 2026-04-14. Review status: criteria provided, single submitter. Criteria: Genomenon Sequence Variant Interpretation Standards - Updated. Collection method: curation. Allele origin: germline. Affected: yes.
Comment: ABCB11 p.Asn1211Asp (c.3631A>G) is a missense variant that changes the amino acid at residue 1211 from Asparagine to Aspartic acid. This variant has been observed in at least one proband with an ABCB11-related disorder (PMID:19101985). Functional studies have been reported (PMID:19101985). In silico models predict that this variant is not damaging. In conclusion, we classify ABCB11 p.Asn1211Asp (c.3631A>G) as a variant of uncertain significance.

Labcorp Genetics (formerly Invitae), Labcorp
Classification: Likely benign. Last evaluated: 2023-12-31. Review status: criteria provided, single submitter. Criteria: Invitae Variant Classification Sherloc (09022015). Collection method: clinical testing. Allele origin: germline.

Department of Pathology and Laboratory Medicine, Sinai Health System
Classification: Uncertain significance for progressive familial intrahepatic cholestasis type 2. Last evaluated: 2022-12-14. Review status: criteria provided, single submitter. Criteria: ACMG Guidelines, 2015. Collection method: research. Allele origin: germline.

Literature cited by the submitters: PubMed 19101985 (cited by Genomenon, Inc).